The following is an entry in ClinVar:

ClinVar aggregate classification (germline): Uncertain significance (1 of 4 stars; one submission).

Submission:

Ambry Genetics
Classification: Uncertain significance. Last evaluated: 2021-10-02. Review status: criteria provided, single submitter. Criteria: Ambry Variant Classification Scheme 2023. Collection method: clinical testing. Allele origin: germline.
Comment: The p.I833N variant (also known as c.2498T>A), located in coding exon 21 of the BUB1 gene, results from a T to A substitution at nucleotide position 2498. The isoleucine at codon 833 is replaced by asparagine, an amino acid with dissimilar properties. This amino acid position is conserved. In addition, the in silico prediction for this alteration is inconclusive. Since supporting evidence is limited at this time, the clinical significance of this alteration remains unclear.

NM_004336.5(BUB1):c.2498T>A (p.Ile833Asn)

Gene: BUB1 (BUB1 mitotic checkpoint serine/threonine kinase; minus strand). Cytogenetic location: 2q13.
Variant type: single nucleotide variant.
Coding change: c.2498T>A on transcript NM_004336.5 (MANE Select); coding-DNA position 2498, T replaced by A.
Protein change: p.Ile833Asn; replaces isoleucine 833 with asparagine.
Molecular consequence: missense variant.
Genome position (GRCh38, 1-based): chr2:110,641,769, A>T on the plus strand (T>A on the coding strand, the complement: BUB1 is on the minus strand). VCF-style: chr2-110641769-A-T. GRCh37 (hg19) VCF-style: chr2-111399346-A-T.
Other names: c.2438T>A, p.Ile813Asn (NM_001278616.2); c.2498T>A, p.Ile833Asn (NM_001278617.2); short protein forms I813N, I833N.
Identifiers: ClinVar variation 1792152 (VCV001792152.2), dbSNP rs200481903, ClinGen allele CA348090539.
Genomic context (GRCh38, chr2:110,641,769, plus strand): 5'-TAGAACTTCATAAACATGTGCTGCATAGATGGCTTTAGTCTTTCCATCAACTGGGTCCCA[A>T]TGTAGAATTCCCAGGGGTTGGCAGGCTTTTGGACCTGCAAATCAGGTATGTGAAATTCAT-3'
Protein context (NP_004327.1, residues 823-843): QKPANPWEFY[Ile833Asn]GTQLMERLKP